The following is an entry in ClinVar:

ClinVar aggregate classification (germline): Likely benign. Review status: criteria provided, multiple submitters, no conflicts (2 of 4 stars). 2 submissions from 2 submitters: Likely benign (2). Last evaluated 2026-03-01.

gnomAD v4.1: 18 of 1,605,626 alleles (0.0011%); highest among the groups gnomAD compares: East Asian, 0.0022%; no homozygotes.

Submissions (2):

CeGaT Center for Human Genetics Tuebingen
Classification: Likely benign. Last evaluated: 2026-03-01. Review status: criteria provided, single submitter. Criteria: CeGaT Center For Human Genetics Tuebingen Variant Classification Criteria Version 2. Collection method: clinical testing. Allele origin: germline. Affected: yes. Observed: 1 variant allele.
Comment: CEP104: BP4, BP7

Blueprint Genetics
Classification: Likely benign. Last evaluated: 2023-09-18. Review status: criteria provided, single submitter. Criteria: ACMG Guidelines, 2015. Collection method: clinical testing. Allele origin: germline.

NM_014704.4(CEP104):c.1452C>T (p.Leu484=)

Gene: CEP104 (centrosomal protein 104; minus strand). Cytogenetic location: 1p36.32.
Variant type: single nucleotide variant.
Coding change: c.1452C>T on transcript NM_014704.4 (MANE Select); coding-DNA position 1452, C replaced by T.
Protein change: p.Leu484=; no amino-acid change (leucine 484 retained).
Molecular consequence: synonymous variant.
Genome position (GRCh38, 1-based): chr1:3,834,958, G>A on the plus strand (C>T on the coding strand, the complement: CEP104 is on the minus strand). VCF-style: chr1-3834958-G-A. GRCh37 (hg19) VCF-style: chr1-3751522-G-A.
Identifiers: ClinVar variation 4821332 (VCV004821332.5).
Genomic context (GRCh38, chr1:3,834,958, plus strand): 5'-GAGCCAGCGCCAGCTGAGGGCACTCACGGAGGTCACAATGTCCTTTATGGCTCTTCTAAC[G>A]AGAAAGACGGATGCTCTCAGTGTGTTCTTTAAATCTTCTTTTGGGGTTCCAACAGGCATT-3'
Protein context (NP_055519.1, residues 474-494): LKNTLRASVF[Leu484=]VRRAIKDIVT